The following is an entry in ClinVar:

NM_001606.5(ABCA2):c.3414C>T (p.Phe1138=)

Gene: ABCA2 (ATP binding cassette subfamily A member 2; minus strand). Cytogenetic location: 9q34.3.
Variant type: single nucleotide variant.
Coding change: c.3414C>T on transcript NM_001606.5 (MANE Select); coding-DNA position 3414, C replaced by T.
Protein change: p.Phe1138=; no amino-acid change (phenylalanine 1138 retained).
Molecular consequence: synonymous variant.
Genome position (GRCh38, 1-based): chr9:137,015,775, G>A on the plus strand (C>T on the coding strand, the complement: ABCA2 is on the minus strand). VCF-style: chr9-137015775-G-A. GRCh37 (hg19) VCF-style: chr9-139910227-G-A.
Other names: c.3411C>T, p.Phe1137= (NM_001411042.1); c.3504C>T, p.Phe1168= (NM_212533.3).
Identifiers: ClinVar variation 5039356 (VCV005039356.1).
Genomic context (GRCh38, chr9:137,015,775, plus strand): 5'-CGCGTAGGGGTCCACGCCCGCCGTGGGCTCGTCCAGGATGATGGCGCGAGAGCCGCCCAC[G>A]AAGGCGATGGCCACGGACAGCTTGCGCTTCATGCCACCCGACAATGTCTGCACCAGTGAG-3'
Protein context (NP_001597.2, residues 1128-1148): MKRKLSVAIA[Phe1138=]VGGSRAIILD

ClinVar aggregate classification (germline): Likely benign (1 of 4 stars; one submission).

Submission:

CeGaT Center for Human Genetics Tuebingen
Classification: Likely benign. Last evaluated: 2026-07-01. Review status: criteria provided, single submitter. Criteria: CeGaT Center For Human Genetics Tuebingen Variant Classification Criteria Version 2. Collection method: clinical testing. Allele origin: germline. Affected: yes. Observed: 1 variant allele.
Comment: ABCA2: BP4, BP7